The following is an entry in ClinVar:

NM_006348.5(COG5):c.876T>G (p.Thr292=)

Gene: COG5 (component of oligomeric golgi complex 5; minus strand). Cytogenetic location: 7q22.3.
Variant type: single nucleotide variant.
Coding change: c.876T>G on transcript NM_006348.5 (MANE Select); coding-DNA position 876, T replaced by G.
Protein change: p.Thr292=; no amino-acid change (threonine 292 retained).
Molecular consequence: synonymous variant. On other transcripts: intron variant (2).
Genome position (GRCh38, 1-based): chr7:107,362,380, A>C on the plus strand (T>G on the coding strand, the complement: COG5 is on the minus strand). VCF-style: chr7-107362380-A-C. GRCh37 (hg19) VCF-style: chr7-107002825-A-C.
Other names: c.876T>G, p.Thr292= (NM_001161520.2, NM_001379511.1, NM_001379512.1 and 3 more transcripts); c.235-270T>G (NM_001379516.1); c.539-64034T>G (NM_001379515.1).
Identifiers: ClinVar variation 358465 (VCV000358465.20), dbSNP rs74522314, ClinGen allele CA4431077.

ClinVar aggregate classification (germline): Benign/Likely benign. Review status: criteria provided, multiple submitters, no conflicts (2 of 4 stars). 5 submissions from 5 submitters: Benign (2); Likely benign (2). 1 of the submissions does not count toward it. Last evaluated 2026-02-03.

Conditions:
COG5-related disorder. Also called: COG5-related condition.
COG5-congenital disorder of glycosylation. Also called: CONGENITAL DISORDER OF GLYCOSYLATION, TYPE IIi; CDG IIi; COG5-CDG. Identifiers: Orphanet 263487, MedGen C3150876, MONDO:0013325, OMIM 613612.

Allele frequency attached by ClinVar (database versions not stated): gnomAD exomes 0.00235; ExAC 0.00293; gnomAD 0.00855 and 0.00898; ESP Exome Variant Server 0.00884; TOPMed 0.00986; 1000 Genomes Project 0.01058; 1000 Genomes Project 30x 0.01218.
gnomAD v4.1: 2,802 of 1,613,910 alleles (0.17%); highest among the groups gnomAD compares: African/African-American, 2.9%; 38 homozygotes.

Submissions (5):

Labcorp Genetics (formerly Invitae), Labcorp
Classification: Benign for COG5-congenital disorder of glycosylation. Last evaluated: 2026-02-03. Review status: criteria provided, single submitter. Criteria: Invitae Variant Classification Sherloc (09022015). Collection method: clinical testing. Allele origin: germline.

Illumina Laboratory Services, Illumina
Classification: Likely benign for COG5-congenital disorder of glycosylation. Last evaluated: 2018-01-13. Review status: criteria provided, single submitter. Criteria: ICSL Variant Classification Criteria 13 December 2019. Collection method: clinical testing. Allele origin: germline.
Comment: This variant was observed in the ICSL laboratory as part of a predisposition screen in an ostensibly healthy population. It had not been previously curated by ICSL or reported in the Human Gene Mutation Database (HGMD: prior to June 1st, 2018), and was therefore a candidate for classification through an automated scoring system. Utilizing variant allele frequency, disease prevalence and penetrance estimates, and inheritance mode, an automated score was calculated to assess if this variant is too frequent to cause the disease. Based on the score and internal cut-off values, a variant classified as likely benign is not then subjected to further curation. The score for this variant resulted in a classification of likely benign for this disease.

GeneDx
Classification: Benign. Last evaluated: 2016-08-02. Review status: criteria provided, single submitter. Criteria: GeneDx Variant Classification (06012015). Collection method: clinical testing. Allele origin: germline. Affected: yes.
Comment: This variant is considered likely benign or benign based on one or more of the following criteria: it is a conservative change, it occurs at a poorly conserved position in the protein, it is predicted to be benign by multiple in silico algorithms, and/or has population frequency not consistent with disease.

Breakthrough Genomics
Classification: Likely benign. Review status: criteria provided, single submitter. Criteria: ACMG Guidelines, 2015. Collection method: not provided. Allele origin: germline. Inheritance: Autosomal recessive inheritance. Affected: yes.

PreventionGenetics, part of Exact Sciences
Classification: Benign for COG5-related condition. Last evaluated: 2019-10-23. Review status: no assertion criteria provided. Collection method: clinical testing. Allele origin: germline. Not counted in ClinVar's aggregate classification.
Comment: This variant is classified as benign based on ACMG/AMP sequence variant interpretation guidelines (Richards et al. 2015 PMID: 25741868, with internal and published modifications).